The following is an entry in ClinVar:

ClinVar aggregate classification (germline): Uncertain significance (1 of 4 stars; one submission).

gnomAD v4.1: 1 of 1,199,989 alleles (0.000083%); highest among the groups gnomAD compares: Non-Finnish European, 0.00011%; no homozygotes.

Submission:

Labcorp Genetics (formerly Invitae), Labcorp
Classification: Uncertain significance. Last evaluated: 2024-05-30. Review status: criteria provided, single submitter. Criteria: Invitae Variant Classification Sherloc (09022015). Collection method: clinical testing. Allele origin: germline.
Comment: This sequence change replaces proline, which is neutral and non-polar, with serine, which is neutral and polar, at codon 208 of the COL4A5 protein (p.Pro208Ser). This variant is not present in population databases (gnomAD no frequency). This variant has not been reported in the literature in individuals affected with COL4A5-related conditions. Advanced modeling of protein sequence and biophysical properties (such as structural, functional, and spatial information, amino acid conservation, physicochemical variation, residue mobility, and thermodynamic stability) performed at Invitae indicates that this missense variant is not expected to disrupt COL4A5 protein function with a negative predictive value of 95%. In summary, the available evidence is currently insufficient to determine the role of this variant in disease. Therefore, it has been classified as a Variant of Uncertain Significance.

NM_033380.3(COL4A5):c.622C>T (p.Pro208Ser)

Gene: COL4A5 (collagen type IV alpha 5 chain; plus strand). Cytogenetic location: Xq22.3.
Variant type: single nucleotide variant.
Coding change: c.622C>T on transcript NM_033380.3 (MANE Select); coding-DNA position 622, C replaced by T.
Protein change: p.Pro208Ser; replaces proline 208 with serine.
Molecular consequence: missense variant.
Genome position (GRCh38, 1-based): chrX:108,577,964, C>T. VCF-style: chrX-108577964-C-T. GRCh37 (hg19) VCF-style: chrX-107821194-C-T.
Other names: c.622C>T, p.Pro208Ser (NM_000495.5); short protein forms P208S.
Identifiers: ClinVar variation 3706472 (VCV003706472.2).